The following is an entry in ClinVar:

ClinVar aggregate classification (germline): Uncertain significance (1 of 4 stars; one submission).

Submission:

Labcorp Genetics (formerly Invitae), Labcorp
Classification: Uncertain significance. Last evaluated: 2023-09-09. Review status: criteria provided, single submitter. Criteria: Invitae Variant Classification Sherloc (09022015). Collection method: clinical testing. Allele origin: germline.
Comment: In summary, the available evidence is currently insufficient to determine the role of this variant in disease. Therefore, it has been classified as a Variant of Uncertain Significance. Experimental studies are conflicting or provide insufficient evidence to determine the effect of this variant on OPA1 function (PMID: 18783614). Advanced modeling of protein sequence and biophysical properties (such as structural, functional, and spatial information, amino acid conservation, physicochemical variation, residue mobility, and thermodynamic stability) performed at Invitae indicates that this missense variant is expected to disrupt OPA1 protein function. ClinVar contains an entry for this variant (Variation ID: 2074569). This variant is also known as c.2522G>A. This missense change has been observed in individual(s) with autosomal dominant optic atrophy (PMID: 16617242). This variant is not present in population databases (gnomAD no frequency). This sequence change replaces tyrosine, which is neutral and polar, with cysteine, which is neutral and slightly polar, at codon 841 of the OPA1 protein (p.Tyr841Cys).

Literature cited by the submitters: PubMed 18783614; PubMed 16617242.

NM_130837.3(OPA1):c.2687A>G (p.Tyr896Cys)

Gene: OPA1 (OPA1 mitochondrial dynamin like GTPase; plus strand). Cytogenetic location: 3q29.
Variant type: single nucleotide variant.
Coding change: c.2687A>G on transcript NM_130837.3 (MANE Select); coding-DNA position 2687, A replaced by G.
Protein change: p.Tyr896Cys; replaces tyrosine 896 with cysteine.
Molecular consequence: missense variant.
Genome position (GRCh38, 1-based): chr3:193,664,905, A>G. VCF-style: chr3-193664905-A-G. GRCh37 (hg19) VCF-style: chr3-193382694-A-G.
Other names: c.2153A>G, p.Tyr718Cys (NM_001354663.2); c.2150A>G, p.Tyr717Cys (NM_001354664.2); c.2522A>G, p.Tyr841Cys (NM_015560.3); c.2414A>G, p.Tyr805Cys (NM_130831.3); c.2468A>G, p.Tyr823Cys (NM_130832.3); c.2525A>G, p.Tyr842Cys (NM_130833.3); c.2576A>G, p.Tyr859Cys (NM_130834.3); c.2579A>G, p.Tyr860Cys (NM_130835.3); and 1 more; short protein forms Y841C, Y717C, Y805C, Y842C, Y859C, Y860C, Y718C, Y878C.
Identifiers: ClinVar variation 2074569 (VCV002074569.4), dbSNP rs1175079347, ClinGen allele CA355795012.